The following is an entry in ClinVar:

ClinVar aggregate classification (germline): Uncertain significance. Review status: criteria provided, multiple submitters, no conflicts (2 of 4 stars). 2 submissions from 2 submitters: Uncertain significance (2). Last evaluated 2024-01-30.

Allele frequency attached by ClinVar (database versions not stated): TOPMed below 0.00001.

Submissions (2):

Revvity Omics, Revvity
Classification: Uncertain significance. Last evaluated: 2024-01-30. Review status: criteria provided, single submitter. Criteria: ACMG Guidelines, 2015. Collection method: clinical testing. Allele origin: germline.

GeneDx
Classification: Uncertain significance. Last evaluated: 2022-04-11. Review status: criteria provided, single submitter. Criteria: GeneDx Variant Classification Process June 2021. Collection method: clinical testing. Allele origin: germline. Affected: yes.
Comment: Not observed in large population cohorts (gnomAD); Missense variant in a gene in which most reported pathogenic variants are truncating/loss-of-function; Has not been previously published as pathogenic or benign to our knowledge

NM_001267550.2(TTN):c.69191C>T (p.Pro23064Leu)

Genes: TTN (titin; minus strand), TTN-AS1 (TTN antisense RNA 1; plus strand). Cytogenetic location: 2q31.2.
Variant type: single nucleotide variant.
Coding change: c.69191C>T on transcript NM_001267550.2 (MANE Select); coding-DNA position 69191, C replaced by T.
Protein change: p.Pro23064Leu; replaces proline 23064 with leucine.
Molecular consequence: missense variant.
Genome position (GRCh38, 1-based): chr2:178,577,144, G>A on the plus strand (C>T on the coding strand, the complement: TTN is on the minus strand). VCF-style: chr2-178577144-G-A. GRCh37 (hg19) VCF-style: chr2-179441871-G-A.
Other names: c.61487C>T, p.Pro20496Leu (NM_133378.4); c.42371C>T, p.Pro14124Leu (NM_133432.3); c.42572C>T, p.Pro14191Leu (NM_133437.4); c.64268C>T, p.Pro21423Leu (NM_001256850.1); c.41996C>T, p.Pro13999Leu (NM_003319.4); c.69191C>T (NM_001267550.1); short protein forms P13999L, P14124L, P14191L, P20496L, P21423L, P23064L.
Identifiers: ClinVar variation 1305700 (VCV001305700.4), dbSNP rs2046615265, ClinGen allele CA349669675.
Genomic context (GRCh38, chr2:178,577,144, plus strand): 5'-CGGCTGGTTTCTCTCTTTTCAAGTATATAGGACTTAATTGGTGAGCCGCCATCTTCCAAG[G>A]GAGGTGTCCATGTAAGTGTTGCTTTTTCAGCAGAAACATTACTGATTTCAACAGGACCTG-3'
Protein context (NP_001254479.2, residues 23054-23074): AEKATLTWTP[Pro23064Leu]LEDGGSPIKS